The following is an entry in ClinVar:

NM_000091.5(COL4A3):c.3392G>A (p.Gly1131Asp)

Genes: COL4A3 (collagen type IV alpha 3 chain; plus strand), MFF-DT (MFF divergent transcript; minus strand). Cytogenetic location: 2q36.3.
Variant type: single nucleotide variant.
Coding change: c.3392G>A on transcript NM_000091.5 (MANE Select); coding-DNA position 3392, G replaced by A.
Protein change: p.Gly1131Asp; replaces glycine 1131 with aspartic acid.
Molecular consequence: missense variant.
Genome position (GRCh38, 1-based): chr2:227,294,544, G>A. VCF-style: chr2-227294544-G-A. GRCh37 (hg19) VCF-style: chr2-228159260-G-A.
Other names: short protein forms G1131D.
Identifiers: ClinVar variation 2890286 (VCV002890286.5), dbSNP rs2072937717, ClinGen allele CA350858596.
Genomic context (GRCh38, chr2:227,294,544, plus strand): 5'-TTCCAGGAAAGCCAGGTCCTCATGGTGATTTGGGTTTTAAAGGAATCAAAGGCCTCCTGG[G>A]CCCTCCAGGAATCAGAGGCCCTCCAGGTTTCATTTTTGTACTTTCTCTTTTTCCTTTTCA-3'
Protein context (NP_000082.2, residues 1121-1141): LGFKGIKGLL[Gly1131Asp]PPGIRGPPGL

ClinVar aggregate classification (germline): Conflicting classifications of pathogenicity. Review status: criteria provided, conflicting classifications (1 of 4 stars). 3 submissions from 3 submitters: Pathogenic (1); Uncertain significance (2). Last evaluated 2025-06-08.

Conditions:
Alport syndrome 3b, autosomal recessive. Identifiers: MedGen C5882699, MONDO:0957811, OMIM 620536.

Allele frequency attached by ClinVar (database versions not stated): TOPMed 0.00001.

Submissions (3):

3billion
Classification: Uncertain significance for Alport syndrome 3b, autosomal recessive. Last evaluated: 2025-06-08. Review status: criteria provided, single submitter. Criteria: ACMG Guidelines, 2015. Collection method: clinical testing. Allele origin: germline. Affected: yes.
Comment: The variant is not observed in the gnomAD v4.1.0 dataset. Predicted Consequence/Location: Missense variant In silico tool predictions suggest damaging effect of the variant on gene or gene product [REVEL: 0.97 (>=0.6, sensitivity 0.68 and specificity 0.92)]. The variant has been reported as of uncertain significance (ClinVar ID: VCV002890286). Different missense changes at the same codon have been reported as of uncertain significance (ClinVar ID: VCV003367108). Therefore, this variant is classified as VUS according to the recommendation of ACMG/AMP guideline.

GeneDx
Classification: Pathogenic. Last evaluated: 2024-10-31. Review status: criteria provided, single submitter. Criteria: GeneDx Variant Classification Process June 2021. Collection method: clinical testing. Allele origin: germline. Affected: yes.
Comment: Affects a glycine residue in a Gly-X-Y motif in the triple helical region of the COL4A3 gene, where the majority of pathogenic missense variants occur, and is predicted to disrupt normal protein folding and function (HGMD; PMID: 10752524); Not observed at significant frequency in large population cohorts (gnomAD); In silico analysis supports that this missense variant has a deleterious effect on protein structure/function; Has not been previously published as pathogenic or benign to our knowledge; This variant is associated with the following publications: (PMID: 10752524)

Labcorp Genetics (formerly Invitae), Labcorp
Classification: Uncertain significance. Last evaluated: 2023-12-27. Review status: criteria provided, single submitter. Criteria: Invitae Variant Classification Sherloc (09022015). Collection method: clinical testing. Allele origin: germline.
Comment: This sequence change replaces glycine, which is neutral and non-polar, with aspartic acid, which is acidic and polar, at codon 1131 of the COL4A3 protein (p.Gly1131Asp). This variant is not present in population databases (gnomAD no frequency). This missense change has been observed in individual(s) with clinical features of Alport syndrome (Invitae). Advanced modeling of protein sequence and biophysical properties (such as structural, functional, and spatial information, amino acid conservation, physicochemical variation, residue mobility, and thermodynamic stability) performed at Invitae indicates that this missense variant is expected to disrupt COL4A3 protein function with a positive predictive value of 80%. In summary, the available evidence is currently insufficient to determine the role of this variant in disease. Therefore, it has been classified as a Variant of Uncertain Significance.